The following is an entry in ClinVar:

NM_005763.4(AASS):c.194G>A (p.Arg65Gln)

Gene: AASS (aminoadipate-semialdehyde synthase; minus strand). Cytogenetic location: 7q31.32.
Variant type: single nucleotide variant.
Coding change: c.194G>A on transcript NM_005763.4 (MANE Select); coding-DNA position 194, G replaced by A.
Protein change: p.Arg65Gln; replaces arginine 65 with glutamine.
Molecular consequence: missense variant.
Genome position (GRCh38, 1-based): chr7:122,133,533, C>T on the plus strand (G>A on the coding strand, the complement: AASS is on the minus strand). VCF-style: chr7-122133533-C-T. GRCh37 (hg19) VCF-style: chr7-121773587-C-T.
Other names: short protein forms R65Q.
Identifiers: ClinVar variation 100646 (VCV000100646.3), dbSNP rs587777125, ClinGen allele CA150584.

ClinVar aggregate classification (germline): Likely pathogenic. Review status: criteria provided, single submitter (1 of 4 stars). 2 submissions from 2 submitters: Likely pathogenic (1). 1 of the submissions does not count toward it. Last evaluated 2025-10-19.

Conditions:
Hyperlysinemia. Also called: Hyperlysinemias. Identifiers: Orphanet 2203, MedGen C0268553, MONDO:0009388, HP:0002161.

Allele frequency attached by ClinVar (database versions not stated): ExAC 0.00001; gnomAD 0.00001; gnomAD exomes 0.00001.
gnomAD v4.1: 12 of 1,614,026 alleles (0.00074%); highest among the groups gnomAD compares: South Asian, 0.0011%; no homozygotes.

Submissions (2):

Labcorp Genetics (formerly Invitae), Labcorp
Classification: Likely pathogenic. Last evaluated: 2025-10-19. Review status: criteria provided, single submitter. Criteria: Invitae Variant Classification Sherloc (09022015). Collection method: clinical testing. Allele origin: germline.
Comment: This sequence change replaces arginine, which is basic and polar, with glutamine, which is neutral and polar, at codon 65 of the AASS protein (p.Arg65Gln). This variant is present in population databases (rs587777125, gnomAD 0.002%). This missense change has been observed in individual(s) with hyperlysinemia (PMID: 23570448). ClinVar contains an entry for this variant (Variation ID: 100646). Invitae Evidence Modeling of protein sequence and biophysical properties (such as structural, functional, and spatial information, amino acid conservation, physicochemical variation, residue mobility, and thermodynamic stability) indicates that this missense variant is expected to disrupt AASS protein function with a positive predictive value of 80%. Studies have shown that this missense change alters AASS gene expression (PMID: 23570448). In summary, the currently available evidence indicates that the variant is pathogenic, but additional data are needed to prove that conclusively. Therefore, this variant has been classified as Likely Pathogenic.

OMIM
Classification: Pathogenic for HYPERLYSINEMIA, TYPE I. Last evaluated: 2013-04-09. Review status: no assertion criteria provided. Collection method: literature only. Allele origin: germline. Not counted in ClinVar's aggregate classification.

Literature cited by the submitters: PubMed 23570448 (cited by Labcorp Genetics (formerly Invitae), Labcorp and OMIM).